The following is an entry in ClinVar:

NM_001127178.3(PIGG):c.2487_2488insC (p.Phe830fs)

Gene: PIGG (phosphatidylinositol glycan anchor biosynthesis class G (EMM blood group); plus strand). Cytogenetic location: 4p16.3.
Variant type: Insertion.
Coding change: c.2487_2488insC on transcript NM_001127178.3 (MANE Select); coding-DNA positions 2487 to 2488, C inserted.
Protein change: p.Phe830fs; shifts the reading frame from phenylalanine 830.
Molecular consequence: frameshift variant. On other transcripts: non-coding transcript variant (6).
Genome position: GRCh38 VCF-style: chr4-530661-A-AC. GRCh37 (hg19) VCF-style: chr4-524450-A-AC.
Other names: c.2220_2221insC, p.Phe741fs (NM_001289051.2, NM_001345986.2); c.2088_2089insC, p.Phe697fs (NM_001289052.2); c.2196_2197insC, p.Phe733fs (NM_001345987.2); c.1458_1459insC, p.Phe487fs (NM_001345988.2); c.954_955insC, p.Phe319fs (NM_001345990.2, NM_001345991.2); c.1389_1390insC, p.Phe464fs (NM_001345994.2); c.2463_2464insC, p.Phe822fs (NM_017733.5); short protein forms F319fs, F464fs, F487fs, F697fs, F733fs, F741fs, F822fs, F830fs.
Identifiers: ClinVar variation 4845929 (VCV004845929.1).

ClinVar aggregate classification (germline): Likely pathogenic (1 of 4 stars; one submission).

Conditions:
Intellectual disability, autosomal recessive 53 (NEDHSCA). Also called: NEURODEVELOPMENTAL DISORDER WITH OR WITHOUT HYPOTONIA, SEIZURES, AND CEREBELLAR ATROPHY; GLYCOSYLPHOSPHATIDYLINOSITOL BIOSYNTHESIS DEFECT 13; Mental retardation, autosomal recessive 53. Identifiers: Orphanet 488635, MedGen C4310794, MONDO:0014832, OMIM 616917.

Submission:

First Genomix Gene Laboratory, Genetic Diagnostics Department
Classification: Likely pathogenic for Intellectual disability, autosomal recessive 53. Last evaluated: 2025-05-08. Review status: criteria provided, single submitter. Criteria: ACMG Guidelines, 2015. Collection method: clinical testing. Allele origin: germline. Inheritance: Autosomal recessive inheritance. Affected: no. Observed: 1 variant allele.